The following is an entry in ClinVar:

ClinVar aggregate classification (germline): Likely benign. Review status: criteria provided, multiple submitters, no conflicts (2 of 4 stars). 2 submissions from 2 submitters: Likely benign (2). Last evaluated 2025-12-01.

Conditions:
Intellectual developmental disorder, autosomal dominant 1. Also called: Intellectual disability, autosomal dominant 1; MBD5 Haploinsufficiency. Identifiers: Orphanet 228402, MedGen C1969562, MONDO:0007974, OMIM 156200.

Allele frequency attached by ClinVar (database versions not stated): ExAC 0.00001; gnomAD exomes 0.00001; TOPMed 0.00001.
gnomAD v4.1: 13 of 1,613,436 alleles (0.00081%); highest among the groups gnomAD compares: South Asian, 0.0033%; no homozygotes.

Submissions (2):

CeGaT Center for Human Genetics Tuebingen
Classification: Likely benign. Last evaluated: 2025-12-01. Review status: criteria provided, single submitter. Criteria: CeGaT Center For Human Genetics Tuebingen Variant Classification Criteria Version 2. Collection method: clinical testing. Allele origin: germline. Affected: yes. Observed: 1 variant allele.
Comment: MBD5: BP4, BP7

Labcorp Genetics (formerly Invitae), Labcorp
Classification: Likely benign for Intellectual developmental disorder, autosomal dominant 1. Last evaluated: 2025-09-15. Review status: criteria provided, single submitter. Criteria: Invitae Variant Classification Sherloc (09022015). Collection method: clinical testing. Allele origin: germline.

NM_001378120.1(MBD5):c.384C>T (p.Pro128=)

Gene: MBD5 (methyl-CpG binding domain protein 5; plus strand). Cytogenetic location: 2q23.1.
Variant type: single nucleotide variant.
Coding change: c.384C>T on transcript NM_001378120.1 (MANE Select); coding-DNA position 384, C replaced by T.
Protein change: p.Pro128=; no amino-acid change (proline 128 retained).
Molecular consequence: synonymous variant.
Genome position (GRCh38, 1-based): chr2:148,463,906, C>T. VCF-style: chr2-148463906-C-T. GRCh37 (hg19) VCF-style: chr2-149221475-C-T.
Other names: c.384C>T, p.Pro128= (NM_018328.5).
Identifiers: ClinVar variation 536681 (VCV000536681.16), dbSNP rs753595652, ClinGen allele CA1899863.